The following is an entry in ClinVar:

NM_152328.5(ADSS1):c.372G>C (p.Trp124Cys)

Gene: ADSS1 (adenylosuccinate synthase 1; plus strand). Cytogenetic location: 14q32.33.
Variant type: single nucleotide variant.
Coding change: c.372G>C on transcript NM_152328.5 (MANE Select); coding-DNA position 372, G replaced by C.
Protein change: p.Trp124Cys; replaces tryptophan 124 with cysteine.
Molecular consequence: missense variant. On other transcripts: 5 prime UTR variant (1).
Genome position (GRCh38, 1-based): chr14:104,739,341, G>C. VCF-style: chr14-104739341-G-C. GRCh37 (hg19) VCF-style: chr14-105205678-G-C.
Other names: c.-227G>C (NM_001320424.1); c.501G>C, p.Trp167Cys (NM_199165.2); c.501G>C (NM_199165.1); short protein forms W124C, W167C.
Identifiers: ClinVar variation 1681918 (VCV001681918.14), dbSNP rs141465951, ClinGen allele CA7373639.

ClinVar aggregate classification (germline): Conflicting classifications of pathogenicity. Review status: criteria provided, conflicting classifications (1 of 4 stars). 5 submissions from 5 submitters: Uncertain significance (2); Likely benign (2). 1 of the submissions does not count toward it. Last evaluated 2025-11-19.

Conditions:
Myopathy, distal, 5 (MPD5). Also called: Adenylosuccinate synthetase-like 1-related distal myopathy. Identifiers: Orphanet 482601, MedGen C5567521, MONDO:0014877, OMIM 617030.
ADSS1-related disorder. Also called: ADSS1-related condition.
Inborn genetic diseases. Identifiers: MedGen C0950123, MeSH D030342.

Allele frequency attached by ClinVar (database versions not stated): gnomAD exomes 0.00008 and 0.00015; ExAC 0.00021; ESP Exome Variant Server 0.00038; TOPMed 0.00071; gnomAD 0.00076 and 0.00078; 1000 Genomes Project 30x 0.00109; 1000 Genomes Project 0.00120.
gnomAD v4.1: 232 of 1,609,174 alleles (0.014%); highest among the groups gnomAD compares: African/African-American, 0.29%; no homozygotes.

Submissions (5):

Ambry Genetics
Classification: Uncertain significance for Inborn genetic diseases. Last evaluated: 2025-11-19. Review status: criteria provided, single submitter. Criteria: Ambry Variant Classification Scheme 2023. Collection method: clinical testing. Allele origin: germline.

Labcorp Genetics (formerly Invitae), Labcorp
Classification: Likely benign. Last evaluated: 2025-10-10. Review status: criteria provided, single submitter. Criteria: Invitae Variant Classification Sherloc (09022015). Collection method: clinical testing. Allele origin: germline.

Women's Health and Genetics/Laboratory Corporation of America, LabCorp
Classification: Likely benign. Last evaluated: 2025-06-12. Review status: criteria provided, single submitter. Criteria: LabCorp Variant Classification Summary - May 2015. Collection method: clinical testing. Allele origin: germline.
Comment: Variant summary: ADSS1 c.501G>C (p.Trp167Cys) results in a non-conservative amino acid change in the encoded protein sequence. Algorithms developed to predict the effect of missense changes on protein structure and function are either unavailable or do not agree on the potential impact of this missense change. The variant allele was found at a frequency of 0.00014 in 1609174 control chromosomes, predominantly at a frequency of 0.0029 within the African or African-American subpopulation in the gnomAD database. The observed variant frequency within African or African-American control individuals in the gnomAD database exceeds the estimated maximal expected allele frequency for a pathogenic variant in ADSS1 causing Myopathy, Distal, 5 phenotype. To our knowledge, no occurrence of c.501G>C in individuals affected with Myopathy, Distal, 5 and no experimental evidence demonstrating its impact on protein function have been reported. ClinVar contains an entry for this variant (Variation ID: 1681918). Based on the evidence outlined above, the variant was classified as likely benign.

Revvity Omics, Revvity
Classification: Uncertain significance for Myopathy, distal, 5. Last evaluated: 2019-10-09. Review status: criteria provided, single submitter. Criteria: ACMG Guidelines, 2015. Collection method: clinical testing. Allele origin: germline.

PreventionGenetics, part of Exact Sciences
Classification: Likely benign for ADSS1-related condition. Last evaluated: 2024-07-09. Review status: no assertion criteria provided. Collection method: clinical testing. Allele origin: germline. Not counted in ClinVar's aggregate classification.
Comment: This variant is classified as likely benign based on ACMG/AMP sequence variant interpretation guidelines (Richards et al. 2015 PMID: 25741868, with internal and published modifications).